The following is an entry in ClinVar:

ClinVar aggregate classification (germline): Uncertain significance. Review status: criteria provided, multiple submitters, no conflicts (2 of 4 stars). 2 submissions from 2 submitters: Uncertain significance (2). Last evaluated 2022-07-06.

Conditions:
Chuvash polycythemia. Also called: POLYCYTHEMIA, VHL-DEPENDENT. Identifiers: Orphanet 238557, MedGen C1837915, MONDO:0009892, OMIM 263400.
Von Hippel-Lindau syndrome (VHLS). Also called: VHL syndrome; Von Hippel-Lindau; von Hippel–Lindau syndrome. Identifiers: Orphanet 892, MedGen C0019562, MONDO:0008667, OMIM 193300. Disease mechanism: loss of function.
Hereditary cancer-predisposing syndrome. Also called: Neoplastic Syndromes, Hereditary; Hereditary Cancer Syndrome; Hereditary neoplastic syndrome; Tumor predisposition. Identifiers: Orphanet 140162, MedGen C0027672, MeSH D009386, MONDO:0015356.

Submissions (2):

Ambry Genetics
Classification: Uncertain significance for Hereditary cancer-predisposing syndrome. Last evaluated: 2022-07-06. Review status: criteria provided, single submitter. Criteria: Ambry Variant Classification Scheme 2023. Collection method: clinical testing. Allele origin: germline.
Comment: The p.G14D variant (also known as c.41G>A), located in coding exon 1 of the VHL gene, results from a G to A substitution at nucleotide position 41. The glycine at codon 14 is replaced by aspartic acid, an amino acid with similar properties. This amino acid position is well conserved in available vertebrate species. In addition, the in silico prediction for this alteration is inconclusive. Since supporting evidence is limited at this time, the clinical significance of this alteration remains unclear.

Labcorp Genetics (formerly Invitae), Labcorp
Classification: Uncertain significance for Von Hippel-Lindau syndrome; Chuvash polycythemia. Last evaluated: 2018-10-01. Review status: criteria provided, single submitter. Criteria: Invitae Variant Classification Sherloc (09022015). Collection method: clinical testing. Allele origin: germline.
Comment: In summary, the available evidence is currently insufficient to determine the role of this variant in disease. Therefore, it has been classified as a Variant of Uncertain Significance. Algorithms developed to predict the effect of missense changes on protein structure and function are either unavailable or do not agree on the potential impact of this missense change (SIFT: "Deleterious"; PolyPhen-2: "Probably Damaging"; Align-GVGD: "Class C0"). This variant has not been reported in the literature in individuals with VHL-related disease. The frequency data for this variant in the population databases is considered unreliable, as metrics indicate insufficient coverage at this position in the ExAC database. This sequence change replaces glycine with aspartic acid at codon 14 of the VHL protein (p.Gly14Asp). The glycine residue is weakly conserved and there is a moderate physicochemical difference between glycine and aspartic acid.

NM_000551.4(VHL):c.41G>A (p.Gly14Asp)

Gene: VHL (von Hippel-Lindau tumor suppressor; plus strand). Cytogenetic location: 3p25.3.
Variant type: single nucleotide variant.
Coding change: c.41G>A on transcript NM_000551.4 (MANE Select); coding-DNA position 41, G replaced by A.
Protein change: p.Gly14Asp; replaces glycine 14 with aspartic acid.
Molecular consequence: missense variant.
Genome position (GRCh38, 1-based): chr3:10,141,888, G>A. VCF-style: chr3-10141888-G-A. GRCh37 (hg19) VCF-style: chr3-10183572-G-A.
Other names: c.41G>A, p.Gly14Asp (NM_001354723.2, NM_198156.3); short protein forms G14D.
Identifiers: ClinVar variation 644673 (VCV000644673.11), dbSNP rs1575921044, ClinGen allele CA351747177.